The following is an entry in ClinVar:

ClinVar aggregate classification (germline): Conflicting classifications of pathogenicity. Review status: criteria provided, conflicting classifications (1 of 4 stars). 12 submissions from 12 submitters: Uncertain significance (2); Benign (2); Likely benign (6). 2 of the submissions do not count toward it. Last evaluated 2026-08-01.

Conditions:
ADGRV1-related disorder. Also called: ADGRV1-related disorders; ADGRV1-related condition.
Retinal dystrophy. Also called: Inherited retinal dystrophy. Identifiers: Orphanet 71862, MedGen C0854723, MeSH D058499, MONDO:0019118, HP:0000556.
Usher syndrome type 2C. Also called: Usher syndrome, type 2B; USHER SYNDROME, TYPE IIC. Identifiers: Orphanet 231178, Orphanet 886, MedGen C2931213, MONDO:0011558, OMIM 605472.

Allele frequency attached by ClinVar (database versions not stated): TOPMed 0.00112; gnomAD exomes 0.00115 and 0.00137; ESP Exome Variant Server 0.00126; 1000 Genomes Project 0.00080; gnomAD 0.00104 and 0.00108; 1000 Genomes Project 30x 0.00078; ExAC 0.00119.
gnomAD v4.1: 2,189 of 1,613,382 alleles (0.14%); highest among the groups gnomAD compares: Middle Eastern, 1.2%; 5 homozygotes.

Submissions (12):

CeGaT Center for Human Genetics Tuebingen
Classification: Likely benign. Last evaluated: 2026-08-01. Review status: criteria provided, single submitter. Criteria: CeGaT Center For Human Genetics Tuebingen Variant Classification Criteria Version 2. Collection method: clinical testing. Allele origin: germline. Affected: yes. Observed: 12 variant alleles.
Comment: ADGRV1: BP4

Labcorp Genetics (formerly Invitae), Labcorp
Classification: Benign. Last evaluated: 2026-02-01. Review status: criteria provided, single submitter. Criteria: Invitae Variant Classification Sherloc (09022015). Collection method: clinical testing. Allele origin: germline.

Illumina Laboratory Services, Illumina
Classification: Benign for Usher syndrome type 2C. Last evaluated: 2025-04-08. Review status: criteria provided, single submitter. Criteria: ICSLVariantClassificationCriteria RUGD 01 April 2020. Collection method: clinical testing. Allele origin: unknown.

Blueprint Genetics
Classification: Likely benign. Last evaluated: 2024-11-22. Review status: criteria provided, single submitter. Criteria: ACMG Guidelines, 2015. Collection method: clinical testing. Allele origin: germline.

Mayo Clinic Laboratories, Mayo Clinic
Classification: Uncertain significance. Last evaluated: 2024-10-16. Review status: criteria provided, single submitter. Criteria: ACMG Guidelines, 2015. Collection method: clinical testing. Allele origin: germline. Observed: 1 variant allele.
Comment: BS1_supporting

GeneDx
Classification: Likely benign. Last evaluated: 2020-11-05. Review status: criteria provided, single submitter. Criteria: GeneDx Variant Classification Process June 2021. Collection method: clinical testing. Allele origin: germline. Affected: yes.
Comment: This variant is associated with the following publications: (PMID: 22135276)

Dubai Health Genomic Medicine Center, Dubai Health
Classification: Likely benign. Last evaluated: 2020-03-19. Review status: criteria provided, single submitter. Criteria: ACMG Guidelines, 2015. Collection method: clinical testing. Allele origin: germline. Affected: yes.

ARUP Laboratories, Molecular Genetics and Genomics, ARUP Laboratories
Classification: Likely benign. Last evaluated: 2019-08-01. Review status: criteria provided, single submitter. Criteria: ARUP Molecular Germline Variant Investigation Process. Collection method: clinical testing. Allele origin: germline.

Eurofins Ntd Llc (ga)
Classification: Uncertain significance. Last evaluated: 2016-11-21. Review status: criteria provided, single submitter. Criteria: EGL Classification Definitions 2015. Collection method: clinical testing. Allele origin: germline. Observed: 5 variant alleles, 5 heterozygotes.

Laboratory for Molecular Medicine, Mass General Brigham Personalized Medicine
Classification: Likely benign. Last evaluated: 2015-05-28. Review status: criteria provided, single submitter. Criteria: LMM Criteria. Collection method: clinical testing. Allele origin: germline. Observed: 17 variant alleles.
Comment: p.Ser1405Phe in exon 20 of GPR98: This variant is not likely to have clinical si gnificance because it was identified in 0.17% (104/61754) European chromosomes b y the Exome Aggregation Consortium (ExAC; dbSNP rs41305898).

PreventionGenetics, part of Exact Sciences
Classification: Likely benign for ADGRV1-related condition. Last evaluated: 2023-09-14. Review status: no assertion criteria provided. Collection method: clinical testing. Allele origin: germline. Not counted in ClinVar's aggregate classification.
Comment: This variant is classified as likely benign based on ACMG/AMP sequence variant interpretation guidelines (Richards et al. 2015 PMID: 25741868, with internal and published modifications).

Institute of Human Genetics, Univ. Regensburg, Univ. Regensburg
Classification: Uncertain significance for Retinal dystrophy. Last evaluated: 2019-01-01. Review status: flagged submission. Criteria: ACMG Guidelines, 2015. Collection method: clinical testing. Allele origin: germline. Affected: yes. Not counted in ClinVar's aggregate classification.
ClinVar note: Reason: Outlier claim with insufficient supporting evidence

Literature cited by the submitters: PubMed 22135276 (cited by Eurofins Ntd Llc (ga)).

NM_032119.4(ADGRV1):c.4214C>T (p.Ser1405Phe)

Gene: ADGRV1 (adhesion G protein-coupled receptor V1; plus strand). Cytogenetic location: 5q14.3.
Variant type: single nucleotide variant.
Coding change: c.4214C>T on transcript NM_032119.4 (MANE Select); coding-DNA position 4214, C replaced by T.
Protein change: p.Ser1405Phe; replaces serine 1405 with phenylalanine.
Molecular consequence: missense variant. On other transcripts: non-coding transcript variant (1).
Genome position (GRCh38, 1-based): chr5:90,653,788, C>T. VCF-style: chr5-90653788-C-T. GRCh37 (hg19) VCF-style: chr5-89949605-C-T.
Other names: short protein forms S1405F.
Identifiers: ClinVar variation 46325 (VCV000046325.73), dbSNP rs41305898, ClinGen allele CA138124.